The following is an entry in ClinVar:

ClinVar aggregate classification (germline): Pathogenic/Likely pathogenic. Review status: criteria provided, multiple submitters, no conflicts (2 of 4 stars). 2 submissions from 2 submitters: Pathogenic (1); Likely pathogenic (1). Last evaluated 2025-11-11.

Conditions:
Odonto-onycho-dermal dysplasia. Identifiers: Orphanet 2721, MedGen C0796093, MONDO:0009773, OMIM 257980.
Schöpf-Schulz-Passarge syndrome. Also called: ECCRINE TUMORS WITH ECTODERMAL DYSPLASIA; KERATOSIS PALMOPLANTARIS WITH CYSTIC EYELIDS, HYPODONTIA, AND HYPOTRICHOSIS; SchC6pf-Schulz-Passarge syndrome. Identifiers: Orphanet 50944, MedGen C1857069, MONDO:0009145, OMIM 224750.
Tooth agenesis, selective, 4 (STHAG4). Also called: LATERAL INCISORS, ABSENCE OF; LATERAL INCISORS, PEGGED OR MISSING; SUCCEDANEOUS TEETH, AGENESIS OF; TOOTH AGENESIS, SELECTIVE, 4, WITH OR WITHOUT ECTODERMAL DYSPLASIA. Identifiers: Orphanet 99798, MedGen C1835492, MONDO:0007881, OMIM 150400. Disease mechanism: loss of function.

Allele frequency attached by ClinVar (database versions not stated): gnomAD exomes below 0.00001 and 0.00001; TOPMed below 0.00001.

Submissions (2):

Labcorp Genetics (formerly Invitae), Labcorp
Classification: Pathogenic for Tooth agenesis, selective, 4; Odonto-onycho-dermal dysplasia. Last evaluated: 2025-11-11. Review status: criteria provided, single submitter. Criteria: Invitae Variant Classification Sherloc (09022015). Collection method: clinical testing. Allele origin: germline.
Comment: This sequence change replaces serine, which is neutral and polar, with proline, which is neutral and non-polar, at codon 108 of the WNT10A protein (p.Ser108Pro). This variant is present in population databases (no rsID available, gnomAD 0.003%). This missense change has been observed in individual(s) with clinical features of odontoonychodermal dysplasia (internal data). In at least one individual the data is consistent with being in trans (on the opposite chromosome) from a pathogenic variant. ClinVar contains an entry for this variant (Variation ID: 1484123). Invitae Evidence Modeling of protein sequence and biophysical properties (such as structural, functional, and spatial information, amino acid conservation, physicochemical variation, residue mobility, and thermodynamic stability) indicates that this missense variant is not expected to disrupt WNT10A protein function with a negative predictive value of 80%. For these reasons, this variant has been classified as Pathogenic.

Fulgent Genetics
Classification: Likely pathogenic for Tooth agenesis, selective, 4; Schöpf-Schulz-Passarge syndrome; Odonto-onycho-dermal dysplasia. Last evaluated: 2024-03-27. Review status: criteria provided, single submitter. Criteria: ACMG Guidelines, 2015. Collection method: clinical testing. Allele origin: germline.

NM_025216.3(WNT10A):c.322T>C (p.Ser108Pro)

Gene: WNT10A (Wnt family member 10A; plus strand). Cytogenetic location: 2q35.
Variant type: single nucleotide variant.
Coding change: c.322T>C on transcript NM_025216.3 (MANE Select); coding-DNA position 322, T replaced by C.
Protein change: p.Ser108Pro; replaces serine 108 with proline.
Molecular consequence: missense variant.
Genome position (GRCh38, 1-based): chr2:218,882,369, T>C. VCF-style: chr2-218882369-T-C. GRCh37 (hg19) VCF-style: chr2-219747091-T-C.
Other names: short protein forms S108P.
Identifiers: ClinVar variation 1484123 (VCV001484123.9), dbSNP rs1249944381, ClinGen allele CA350619094.